The following is an entry in ClinVar:

NM_018896.5(CACNA1G):c.3218G>T (p.Gly1073Val)

Gene: CACNA1G (calcium voltage-gated channel subunit alpha1 G; plus strand). Cytogenetic location: 17q21.33.
Variant type: single nucleotide variant.
Coding change: c.3218G>T on transcript NM_018896.5 (MANE Select); coding-DNA position 3218, G replaced by T.
Protein change: p.Gly1073Val; replaces glycine 1073 with valine.
Molecular consequence: missense variant. On other transcripts: non-coding transcript variant (5).
Genome position (GRCh38, 1-based): chr17:50,596,883, G>T. VCF-style: chr17-50596883-G-T. GRCh37 (hg19) VCF-style: chr17-48674244-G-T.
Other names: c.3218G>T, p.Gly1073Val (NM_001256324.2, NM_001256325.2, NM_001256326.2 and 16 more transcripts); c.3149G>T, p.Gly1050Val (NM_001256332.2, NM_198376.3, NM_198379.3 and 5 more transcripts); c.3218G>T (NM_018896.4); short protein forms G1050V, G1073V.
Identifiers: ClinVar variation 2664047 (VCV002664047.2), dbSNP rs2545364743, ClinGen allele CA400252452.

ClinVar aggregate classification (germline): Uncertain significance. Review status: criteria provided, single submitter (1 of 4 stars). 2 submissions from 2 submitters: Uncertain significance (1). 1 of the submissions does not count toward it. Last evaluated 2023-10-31.

Conditions:
Spinocerebellar ataxia 42, early-onset, severe, with neurodevelopmental deficits. Identifiers: MedGen C4748120, MONDO:0060758, OMIM 618087.

Allele frequency attached by ClinVar (database versions not stated): gnomAD exomes below 0.00001.
gnomAD v4.1: 2 of 1,586,590 alleles (0.00013%); highest among the groups gnomAD compares: Non-Finnish European, 0.00017%; no homozygotes.

Submissions (2):

GeneDx
Classification: Uncertain significance. Last evaluated: 2023-10-31. Review status: criteria provided, single submitter. Criteria: GeneDx Variant Classification Process June 2021. Collection method: clinical testing. Allele origin: germline. Affected: yes.
Comment: Not observed at significant frequency in large population cohorts (gnomAD); In silico analysis supports that this missense variant does not alter protein structure/function; Has not been previously published as pathogenic or benign to our knowledge

Zotz-Klimas Genetics Lab, MVZ Zotz Klimas
Classification: Uncertain significance for Spinocerebellar ataxia 42, early-onset, severe, with neurodevelopmental deficits. Last evaluated: 2023-11-24. Review status: no assertion criteria provided. Collection method: clinical testing. Allele origin: germline. Affected: yes. Not counted in ClinVar's aggregate classification.